The following is an entry in ClinVar:

ClinVar aggregate classification (germline): Uncertain significance. Review status: criteria provided, multiple submitters, no conflicts (2 of 4 stars). 4 submissions from 4 submitters: Uncertain significance (4). Last evaluated 2025-10-07.

Conditions:
COL4A2-related disorder. Also called: COL4A2-related disorders; COL4A2-related condition.
Brain small vessel disease 2A, autosomal dominant. Also called: Porencephaly 2. Identifiers: Orphanet 2940, Orphanet 99810, MedGen C3280970, MONDO:0013773, OMIM 614483.
Inborn genetic diseases. Identifiers: MedGen C0950123, MeSH D030342.

Allele frequency attached by ClinVar (database versions not stated): ExAC 0.00001; TOPMed 0.00005; 1000 Genomes Project 30x 0.00016; 1000 Genomes Project 0.00020.
gnomAD v4.1: 29 of 1,612,692 alleles (0.0018%); highest among the groups gnomAD compares: Middle Eastern, 0.017%; no homozygotes.

Submissions (4):

Ambry Genetics
Classification: Uncertain significance for Inborn genetic diseases. Last evaluated: 2025-10-07. Review status: criteria provided, single submitter. Criteria: Ambry Variant Classification Scheme 2023. Collection method: clinical testing. Allele origin: germline.

Labcorp Genetics (formerly Invitae), Labcorp
Classification: Uncertain significance. Last evaluated: 2025-10-01. Review status: criteria provided, single submitter. Criteria: Invitae Variant Classification Sherloc (09022015). Collection method: clinical testing. Allele origin: germline.
Comment: This sequence change replaces glutamic acid, which is acidic and polar, with lysine, which is basic and polar, at codon 1521 of the COL4A2 protein (p.Glu1521Lys). The frequency data for this variant in the population databases is considered unreliable, as metrics indicate poor data quality at this position in the gnomAD database. This variant has not been reported in the literature in individuals affected with COL4A2-related conditions. ClinVar contains an entry for this variant (Variation ID: 311181). Invitae Evidence Modeling of protein sequence and biophysical properties (such as structural, functional, and spatial information, amino acid conservation, physicochemical variation, residue mobility, and thermodynamic stability) indicates that this missense variant is not expected to disrupt COL4A2 protein function with a negative predictive value of 80%. In summary, the available evidence is currently insufficient to determine the role of this variant in disease. Therefore, it has been classified as a Variant of Uncertain Significance.

PreventionGenetics, part of Exact Sciences
Classification: Uncertain significance for COL4A2-related condition. Last evaluated: 2025-01-03. Review status: criteria provided, single submitter. Criteria: ACMG Guidelines, 2015. Collection method: clinical testing. Allele origin: germline.
Comment: The COL4A2 c.4561G>A variant is predicted to result in the amino acid substitution p.Glu1521Lys. To our knowledge, this variant has not been reported in the literature. This variant is reported in 0.0029% of alleles in individuals of Latino descent in gnomAD v2 (as displayed in the table above). However, in gnomAD v4 (available only on GRCh38), this variant is reported in 0.016% of alleles in individuals of Middle Eastern descent. This population data is not consistent with this variant being a primary cause of disease. Although we suspect that this variant may be benign, the clinical significance of this variant is classified as uncertain at this time due to insufficient functional and genetic evidence.

Illumina Laboratory Services, Illumina
Classification: Uncertain significance for Brain small vessel disease 2A, autosomal dominant. Last evaluated: 2018-01-13. Review status: criteria provided, single submitter. Criteria: ICSL Variant Classification Criteria 13 December 2019. Collection method: clinical testing. Allele origin: germline.

NM_001846.4(COL4A2):c.4561G>A (p.Glu1521Lys)

Genes: COL4A2 (collagen type IV alpha 2 chain; plus strand), COL4A2-AS1 (COL4A2 antisense RNA 1; minus strand). Cytogenetic location: 13q34.
Variant type: single nucleotide variant.
Coding change: c.4561G>A on transcript NM_001846.4 (MANE Select); coding-DNA position 4561, G replaced by A.
Protein change: p.Glu1521Lys; replaces glutamic acid 1521 with lysine.
Molecular consequence: missense variant.
Genome position (GRCh38, 1-based): chr13:110,506,573, G>A. VCF-style: chr13-110506573-G-A. GRCh37 (hg19) VCF-style: chr13-111158920-G-A.
Other names: c.4561G>A (NM_001846.3); short protein forms E1521K.
Identifiers: ClinVar variation 311181 (VCV000311181.11), dbSNP rs182278784, ClinGen allele CA7050575.